The following is an entry in ClinVar:

ClinVar aggregate classification (germline): Pathogenic. Review status: criteria provided, multiple submitters, no conflicts (2 of 4 stars). 2 submissions from 2 submitters: Pathogenic (2). Last evaluated 2024-10-03.

Conditions:
Juvenile polyposis syndrome (JPS). Identifiers: Orphanet 2929, MedGen C0345893, MONDO:0017380, OMIM 174900.
Hereditary cancer-predisposing syndrome. Also called: Neoplastic Syndromes, Hereditary; Hereditary neoplastic syndrome; Tumor predisposition; Hereditary Cancer Syndrome. Identifiers: Orphanet 140162, MedGen C0027672, MeSH D009386, MONDO:0015356.
Familial thoracic aortic aneurysm and aortic dissection (TAAD). Also called: Thoracic aortic aneurysms and dissections. Identifiers: Orphanet 91387, MedGen C4707243, MONDO:0019625.

Submissions (2):

Ambry Genetics
Classification: Pathogenic for Hereditary cancer-predisposing syndrome; Familial thoracic aortic aneurysm and aortic dissection. Last evaluated: 2024-10-03. Review status: criteria provided, single submitter. Criteria: Ambry Variant Classification Scheme 2023. Collection method: clinical testing. Allele origin: germline.
Comment: The c.620delA pathogenic mutation, located in coding exon 4 of the SMAD4 gene, results from a deletion of one nucleotide at nucleotide position 620, causing a translational frameshift with a predicted alternate stop codon (p.N207Mfs*34). This variant is considered to be rare based on population cohorts in the Genome Aggregation Database (gnomAD). This alteration is expected to result in loss of function by premature protein truncation or nonsense-mediated mRNA decay. As such, this alteration is interpreted as a disease-causing mutation.

Labcorp Genetics (formerly Invitae), Labcorp
Classification: Pathogenic for Juvenile polyposis syndrome. Last evaluated: 2022-11-01. Review status: criteria provided, single submitter. Criteria: Invitae Variant Classification Sherloc (09022015). Collection method: clinical testing. Allele origin: germline.
Comment: ClinVar contains an entry for this variant (Variation ID: 1073157). For these reasons, this variant has been classified as Pathogenic. This variant has not been reported in the literature in individuals affected with SMAD4-related conditions. This variant is not present in population databases (gnomAD no frequency). This sequence change creates a premature translational stop signal (p.Asn207Metfs*34) in the SMAD4 gene. It is expected to result in an absent or disrupted protein product. Loss-of-function variants in SMAD4 are known to be pathogenic (PMID: 16152648, 16436638, 22810475).

Literature cited by the submitters: PubMed 16152648 (cited by Labcorp Genetics (formerly Invitae), Labcorp); PubMed 16436638 (cited by Labcorp Genetics (formerly Invitae), Labcorp); PubMed 22810475 (cited by Labcorp Genetics (formerly Invitae), Labcorp).

NM_005359.6(SMAD4):c.620del (p.Asn207fs)

Gene: SMAD4 (SMAD family member 4; plus strand). Cytogenetic location: 18q21.2.
Variant type: Deletion.
Coding change: c.620del on transcript NM_005359.6 (MANE Select); coding-DNA position 620, one base deleted (A; older notation c.620delA).
Protein change: p.Asn207fs; shifts the reading frame from asparagine 207.
Molecular consequence: frameshift variant.
Genome position (GRCh38, 1-based): chr18:51,054,946, A deleted; the last of 2 consecutive A bases (chr18:51,054,945-51,054,946); deleting either gives the same sequence. VCF-style (leftmost placement, unchanged base first): chr18-51054944-TA-T. GRCh37 (hg19) VCF-style: chr18-48581314-TA-T.
Other names: c.620delA (NM_005359.5); short protein forms N207fs.
Identifiers: ClinVar variation 1073157 (VCV001073157.8), dbSNP rs2144419362, ClinGen allele CA2499225205.